The following is an entry in ClinVar:

ClinVar aggregate classification (germline): Pathogenic (1 of 4 stars; one submission).

Submission:

Labcorp Genetics (formerly Invitae), Labcorp
Classification: Pathogenic. Last evaluated: 2019-04-22. Review status: criteria provided, single submitter. Criteria: Invitae Variant Classification Sherloc (09022015). Collection method: clinical testing. Allele origin: germline.
Comment: This sequence change creates a premature translational stop signal (p.Gly626Glufs*18) in the MUT gene. It is expected to result in an absent or disrupted protein product. This variant is not present in population databases (ExAC no frequency). This variant has been observed in an individual affected with methylmalonic aciduria (PMID: 7627195). This variant is also known as c.1952del13 in the literature. Loss-of-function variants in MUT are known to be pathogenic (PMID: 15781192). For these reasons, this variant has been classified as Pathogenic.

Literature cited by the submitters: PubMed 7627195; PubMed 15781192.

NM_000255.4(MMUT):c.1877_1889del (p.Gly626fs)

Gene: MMUT (methylmalonyl-CoA mutase; minus strand). Cytogenetic location: 6p12.3.
Variant type: Deletion.
Coding change: c.1877_1889del on transcript NM_000255.4 (MANE Select); coding-DNA positions 1877 to 1889, 13 bases deleted (GCCATGACAGAGG).
Protein change: p.Gly626fs; shifts the reading frame from glycine 626.
Molecular consequence: frameshift variant.
Genome position (GRCh38, 1-based): chr6:49,440,273-49,440,285, CCTCTGTCATGGC deleted on the plus strand (GCCATGACAGAGG on the coding strand, the reverse complement: MMUT is on the minus strand); deleting any 13 consecutive bases within chr6:49,440,273-49,440,286 gives the same sequence; the c. name uses the placement nearest the transcript's 3' end. VCF-style (leftmost placement, unchanged base first): chr6-49440272-TCCTCTGTCATGGC-T. GRCh37 (hg19) VCF-style: chr6-49407985-TCCTCTGTCATGGC-T.
Other names: short protein forms G626fs.
Identifiers: ClinVar variation 841103 (VCV000841103.9), dbSNP rs1767239206, ClinGen allele CA916082833.